The following is an entry in ClinVar:

NM_000138.5(FBN1):c.6266del (p.Gly2089fs)

Gene: FBN1 (fibrillin 1; minus strand). Cytogenetic location: 15q21.1.
Variant type: Deletion.
Coding change: c.6266del on transcript NM_000138.5 (MANE Select); coding-DNA position 6266, one base deleted (G; older notation c.6266delG).
Protein change: p.Gly2089fs; shifts the reading frame from glycine 2089.
Molecular consequence: frameshift variant.
Genome position (GRCh38, 1-based): chr15:48,437,815, C deleted on the plus strand (G on the coding strand, the reverse complement: FBN1 is on the minus strand); the first of 3 consecutive C bases (chr15:48,437,815-48,437,817); deleting any one gives the same sequence. VCF-style (leftmost placement, unchanged base first): chr15-48437814-TC-T. GRCh37 (hg19) VCF-style: chr15-48730011-TC-T.
Other names: c.6266delG (NM_000138.4); short protein forms G2089fs.
Identifiers: ClinVar variation 646717 (VCV000646717.8), dbSNP rs1597526729, ClinGen allele CA915946649.

ClinVar aggregate classification (germline): Pathogenic (1 of 4 stars; one submission).

Conditions:
Familial thoracic aortic aneurysm and aortic dissection (TAAD). Also called: Thoracic aortic aneurysms and dissections. Identifiers: Orphanet 91387, MedGen C4707243, MONDO:0019625.
Marfan syndrome (MFS). Also called: FBN1-Related Marfan Syndrome; Marfan syndrome type 1; Marfan's syndrome; Marfan syndrome, classic; MARFAN SYNDROME, TYPE I. Identifiers: Orphanet 284963, Orphanet 558, MedGen C0024796, MONDO:0007947, OMIM 154700.

Submission:

Labcorp Genetics (formerly Invitae), Labcorp
Classification: Pathogenic for Marfan syndrome; Familial thoracic aortic aneurysm and aortic dissection. Last evaluated: 2019-03-15. Review status: criteria provided, single submitter. Criteria: Invitae Variant Classification Sherloc (09022015). Collection method: clinical testing. Allele origin: germline.
Comment: This variant has not been reported in the literature in individuals with FBN1-related disease. For these reasons, this variant has been classified as Pathogenic. Loss-of-function variants in FBN1 are known to be pathogenic (PMID: 17657824, 19293843). This variant is not present in population databases (ExAC no frequency). This sequence change creates a premature translational stop signal (p.Gly2089Glufs*71) in the FBN1 gene. It is expected to result in an absent or disrupted protein product.

Literature cited by the submitters: PubMed 17657824; PubMed 19293843.